The following is an entry in ClinVar:

NM_001035.3(RYR2):c.11429G>A (p.Arg3810Gln)

Gene: RYR2 (ryanodine receptor 2; plus strand). Cytogenetic location: 1q43.
Variant type: single nucleotide variant.
Coding change: c.11429G>A on transcript NM_001035.3 (MANE Select); coding-DNA position 11429, G replaced by A.
Protein change: p.Arg3810Gln; replaces arginine 3810 with glutamine.
Molecular consequence: missense variant.
Genome position (GRCh38, 1-based): chr1:237,760,981, G>A. VCF-style: chr1-237760981-G-A. GRCh37 (hg19) VCF-style: chr1-237924281-G-A.
Other names: short protein forms R3810Q.
Identifiers: ClinVar variation 2568254 (VCV002568254.3), dbSNP rs1473957175, ClinGen allele CA345429936.
Genomic context (GRCh38, chr1:237,760,981, plus strand): 5'-CCTCTAAATGTTTTTTTTTCCCTTGTTATTATAGTGTCCTTGACCTAAATGCATTTGAGC[G>A]ACAAAACAAAGCTGAAGGTCTTGGGATGGTGACAGAGGAAGGATCAGGTATTAATGACTT-3'
Protein context (NP_001026.2, residues 3800-3820): CSVLDLNAFE[Arg3810Gln]QNKAEGLGMV

ClinVar aggregate classification (germline): Uncertain significance. Review status: criteria provided, multiple submitters, no conflicts (2 of 4 stars). 2 submissions from 2 submitters: Uncertain significance (2). Last evaluated 2025-10-15.

Conditions:
Cardiovascular phenotype. Identifiers: MedGen CN230736.
Catecholaminergic polymorphic ventricular tachycardia 1. Also called: VENTRICULAR TACHYCARDIA, CATECHOLAMINERGIC POLYMORPHIC, 1, WITH OR WITHOUT ATRIAL DYSFUNCTION AND/OR DILATED CARDIOMYOPATHY; RYR2-Related Catecholaminergic Polymorphic Ventricular Tachycardia; VENTRICULAR TACHYCARDIA, STRESS-INDUCED POLYMORPHIC 1. Identifiers: Orphanet 3286, MedGen C1631597, MONDO:0011484, OMIM 604772.

Allele frequency attached by ClinVar (database versions not stated): gnomAD exomes below 0.00001.
gnomAD v4.1: 3 of 1,577,552 alleles (0.00019%); highest among the groups gnomAD compares: East Asian, 0.0023%; no homozygotes.

Submissions (2):

Institute of Human Genetics, University of Leipzig Medical Center
Classification: Uncertain significance for Catecholaminergic polymorphic ventricular tachycardia 1. Last evaluated: 2025-10-15. Review status: criteria provided, single submitter. Criteria: ACMG Guidelines, 2015. Collection method: clinical testing. Allele origin: unknown. Inheritance: Autosomal dominant inheritance. Affected: yes.
Comment: Criteria applied: PM2_SUP,PP2,PP3

Ambry Genetics
Classification: Uncertain significance for Cardiovascular phenotype. Last evaluated: 2023-03-25. Review status: criteria provided, single submitter. Criteria: Ambry Variant Classification Scheme 2023. Collection method: clinical testing. Allele origin: germline.
Comment: The p.R3810Q variant (also known as c.11429G>A), located in coding exon 84 of the RYR2 gene, results from a G to A substitution at nucleotide position 11429. The arginine at codon 3810 is replaced by glutamine, an amino acid with highly similar properties. This amino acid position is highly conserved in available vertebrate species. In addition, this alteration is predicted to be deleterious by in silico analysis. Since supporting evidence is limited at this time, the clinical significance of this alteration remains unclear.